The following is an entry in ClinVar:

NM_130811.4(SNAP25):c.176G>A (p.Arg59His)

Gene: SNAP25 (synaptosome associated protein 25; plus strand). Cytogenetic location: 20p12.2.
Variant type: single nucleotide variant.
Coding change: c.176G>A on transcript NM_130811.4 (MANE Select); coding-DNA position 176, G replaced by A.
Protein change: p.Arg59His; replaces arginine 59 with histidine.
Molecular consequence: missense variant. On other transcripts: intron variant (3).
Genome position (GRCh38, 1-based): chr20:10,293,173, G>A. VCF-style: chr20-10293173-G-A. GRCh37 (hg19) VCF-style: chr20-10273821-G-A.
Other names: c.176G>A, p.Arg59His (NM_001322903.2, NM_001322904.2, NM_001322905.2 and 6 more transcripts); c.281+174G>A (NM_001424415.1, NM_003081.5, NM_001322902.2); short protein forms R59H.
Identifiers: ClinVar variation 2869071 (VCV002869071.3), dbSNP rs2064035728, ClinGen allele CA408265882.

ClinVar aggregate classification (germline): Uncertain significance (1 of 4 stars; one submission).

Conditions:
Congenital myasthenic syndrome 18. Also called: MYASTHENIC SYNDROME, CONGENITAL, 18, WITH INTELLECTUAL DISABILITY AND ATAXIA. Identifiers: Orphanet 590, MedGen C4225364, MONDO:0014590, OMIM 616330.

gnomAD v4.1: 2 of 1,613,364 alleles (0.00012%); highest among the groups gnomAD compares: East Asian, 0.0022%; no homozygotes.

Submission:

Labcorp Genetics (formerly Invitae), Labcorp
Classification: Uncertain significance for Congenital myasthenic syndrome 18. Last evaluated: 2023-09-10. Review status: criteria provided, single submitter. Criteria: Invitae Variant Classification Sherloc (09022015). Collection method: clinical testing. Allele origin: germline.
Comment: This variant disrupts the p.Arg59 amino acid residue in SNAP25. Other variant(s) that disrupt this residue have been determined to be pathogenic (PMID: 29491473). This suggests that this residue is clinically significant, and that variants that disrupt this residue are likely to be disease-causing. In summary, the available evidence is currently insufficient to determine the role of this variant in disease. Therefore, it has been classified as a Variant of Uncertain Significance. An algorithm developed to predict the effect of missense changes on protein structure and function (PolyPhen-2) suggests that this variant is likely to be tolerated. This variant has not been reported in the literature in individuals affected with SNAP25-related conditions. This variant is not present in population databases (gnomAD no frequency). This sequence change replaces arginine, which is basic and polar, with histidine, which is basic and polar, at codon 59 of the SNAP25 protein (p.Arg59His).

Literature cited by the submitters: PubMed 29491473.